The following is an entry in ClinVar:

ClinVar aggregate classification (germline): Likely benign (1 of 4 stars; one submission).

Conditions:
Leigh syndrome (NULS). Also called: Leigh's necrotizing encephalopathy; Leigh's disease; Leigh Syndrome (mtDNA deletion); Leigh Disease; Subacute necrotizing encephalopathy; Necrotizing encephalopathy infantile subacute of Leigh. Identifiers: Orphanet 506, MedGen C2931891, MONDO:0009723, OMIM 256000.

Submission:

Wong Mito Lab, Molecular and Human Genetics, Baylor College of Medicine
Classification: Likely benign for Leigh syndrome. Last evaluated: 2019-10-17. Review status: criteria provided, single submitter. Criteria: Modified ACMG Guidelines (Unpublished). Collection method: clinical testing. Allele origin: germline.
Comment: The NC_012920.1:m.8767A>G (YP_003024031.1:p.Thr81Ala) variant in MTATP6 gene is interpretated to be a Likely Benign variant based on the modified ACMG guidelines (unpublished). This variant meets the following evidence codes: BS1, BP4

NC_012920.1(MT-ATP6):m.8767A>G

Gene: MT-ATP6 (mitochondrially encoded ATP synthase 6; plus strand).
Variant type: single nucleotide variant.
Genome position: chrM-8767-A-G.
Identifiers: ClinVar variation 692980 (VCV000692980.1), dbSNP rs1603221783, ClinGen allele CA414797957.